The following is an entry in ClinVar:

ClinVar aggregate classification (germline): Uncertain significance (1 of 4 stars; one submission).

Allele frequency attached by ClinVar (database versions not stated): gnomAD exomes 0.00001; TOPMed 0.00001.
gnomAD v4.1: 13 of 1,551,668 alleles (0.00084%); highest among the groups gnomAD compares: Admixed American, 0.002%; no homozygotes.

Submission:

Labcorp Genetics (formerly Invitae), Labcorp
Classification: Uncertain significance. Last evaluated: 2022-07-19. Review status: criteria provided, single submitter. Criteria: Invitae Variant Classification Sherloc (09022015). Collection method: clinical testing. Allele origin: germline.
Comment: This sequence change affects a donor splice site in intron 7 of the KPNA7 gene. It is expected to disrupt RNA splicing. Variants that disrupt the donor or acceptor splice site typically lead to a loss of protein function (PMID: 16199547), however the current clinical and genetic evidence is not sufficient to establish whether loss-of-function variants in KPNA7 cause disease. This variant is present in population databases (no rsID available, gnomAD 0.004%). This variant has not been reported in the literature in individuals affected with KPNA7-related conditions. ClinVar contains an entry for this variant (Variation ID: 947600). Algorithms developed to predict the effect of sequence changes on RNA splicing suggest that this variant may disrupt the consensus splice site. In summary, the available evidence is currently insufficient to determine the role of this variant in disease. Therefore, it has been classified as a Variant of Uncertain Significance.

Literature cited by the submitters: PubMed 16199547.

NM_001145715.3(KPNA7):c.1134+1G>A

Gene: KPNA7 (karyopherin subunit alpha 7; minus strand). Cytogenetic location: 7q22.1.
Variant type: single nucleotide variant.
Coding change: c.1134+1G>A on transcript NM_001145715.3 (MANE Select); the canonical splice donor site of the intron after coding-DNA position 1134, G replaced by A.
Molecular consequence: splice donor variant.
Genome position (GRCh38, 1-based): chr7:99,184,928, C>T on the plus strand (G>A on the coding strand, the complement: KPNA7 is on the minus strand). VCF-style: chr7-99184928-C-T. GRCh37 (hg19) VCF-style: chr7-98782551-C-T.
Identifiers: ClinVar variation 947600 (VCV000947600.5), dbSNP rs953759927, ClinGen allele CA368418986.